The following is an entry in ClinVar:

NM_001025389.2(AMPD3):c.1674C>T (p.Tyr558=)

Gene: AMPD3 (adenosine monophosphate deaminase 3; plus strand). Cytogenetic location: 11p15.4.
Variant type: single nucleotide variant.
Coding change: c.1674C>T on transcript NM_001025389.2 (MANE Select); coding-DNA position 1674, C replaced by T.
Protein change: p.Tyr558=; no amino-acid change (tyrosine 558 retained).
Molecular consequence: synonymous variant.
Genome position (GRCh38, 1-based): chr11:10,500,202, C>T. VCF-style: chr11-10500202-C-T. GRCh37 (hg19) VCF-style: chr11-10521749-C-T.
Other names: c.1701C>T, p.Tyr567= (NM_000480.3); c.1695C>T, p.Tyr565= (NM_001025390.2); c.1674C>T, p.Tyr558= (NM_001172430.1); c.1197C>T, p.Tyr399= (NM_001172431.2).
Identifiers: ClinVar variation 879069 (VCV000879069.5), dbSNP rs114718879, ClinGen allele CA5883107.

ClinVar aggregate classification (germline): Likely benign. Review status: criteria provided, multiple submitters, no conflicts (2 of 4 stars). 2 submissions from 2 submitters: Likely benign (2). Last evaluated 2018-01-12.

Conditions:
Erythrocyte AMP deaminase deficiency. Identifiers: Orphanet 45, MedGen C2752073, OMIM 612874, MONDO:0020734.

Allele frequency attached by ClinVar (database versions not stated): 1000 Genomes Project 0.01238; 1000 Genomes Project 30x 0.01312; ESP Exome Variant Server 0.01640; TOPMed 0.01813; gnomAD 0.01957 and 0.01986; ExAC 0.02015; gnomAD exomes 0.02075 and 0.02493.
gnomAD v4.1: 39,437 of 1,614,206 alleles (2.4%); highest among the groups gnomAD compares: Middle Eastern, 5.3%; 577 homozygotes.

Submissions (2):

Illumina Laboratory Services, Illumina
Classification: Likely benign for Erythrocyte AMP deaminase deficiency. Last evaluated: 2018-01-12. Review status: criteria provided, single submitter. Criteria: ICSL Variant Classification Criteria 13 December 2019. Collection method: clinical testing. Allele origin: germline.
Comment: This variant was observed in the ICSL laboratory as part of a predisposition screen in an ostensibly healthy population. It had not been previously curated by ICSL or reported in the Human Gene Mutation Database (HGMD: prior to June 1st, 2018), and was therefore a candidate for classification through an automated scoring system. Utilizing variant allele frequency, disease prevalence and penetrance estimates, and inheritance mode, an automated score was calculated to assess if this variant is too frequent to cause the disease. Based on the score and internal cut-off values, a variant classified as likely benign is not then subjected to further curation. The score for this variant resulted in a classification of likely benign for this disease.

Breakthrough Genomics
Classification: Likely benign. Review status: criteria provided, single submitter. Criteria: ACMG Guidelines, 2015. Collection method: not provided. Allele origin: germline. Inheritance: Autosomal recessive inheritance. Affected: yes.